The following is an entry in ClinVar:

NM_005559.4(LAMA1):c.7917G>A (p.Met2639Ile)

Gene: LAMA1 (laminin subunit alpha 1; minus strand). Cytogenetic location: 18p11.31.
Variant type: single nucleotide variant.
Coding change: c.7917G>A on transcript NM_005559.4 (MANE Select); coding-DNA position 7917, G replaced by A.
Protein change: p.Met2639Ile; replaces methionine 2639 with isoleucine.
Molecular consequence: missense variant.
Genome position (GRCh38, 1-based): chr18:6,958,524, C>T on the plus strand (G>A on the coding strand, the complement: LAMA1 is on the minus strand). VCF-style: chr18-6958524-C-T. GRCh37 (hg19) VCF-style: chr18-6958523-C-T.
Other names: short protein forms M2639I.
Identifiers: ClinVar variation 4055763 (VCV004055763.1).

ClinVar aggregate classification (germline): Uncertain significance (1 of 4 stars; one submission).

gnomAD v4.1: 1 of 1,614,068 alleles (0.000062%); highest among the groups gnomAD compares: African/African-American, 0.0013%; no homozygotes.

Submission:

GeneDx
Classification: Uncertain significance. Last evaluated: 2025-01-07. Review status: criteria provided, single submitter. Criteria: GeneDx Variant Classification Process June 2021. Collection method: clinical testing. Allele origin: germline. Affected: yes.
Comment: Not observed at significant frequency in large population cohorts (gnomAD); In silico analysis indicates that this missense variant does not alter protein structure/function; Identified as a de novo variant in a proband from an autism cohort; however additional phenotypic details were not provided, and many individuals harbored additional de novo variants (PMID: 25363768); This variant is associated with the following publications: (PMID: 28714951, 28867142, 34011629, 31785789, 35982160, 25363768, 31133750, 35982159)